The following is an entry in ClinVar:

ClinVar aggregate classification (germline): Benign. Review status: criteria provided, multiple submitters, no conflicts (2 of 4 stars). 2 submissions from 2 submitters: Benign (2). Last evaluated 2018-01-12.

Conditions:
Maturity-onset diabetes of the young type 7 (MODY7). Identifiers: Orphanet 552, MedGen C1864839, MONDO:0012513, OMIM 610508.

Allele frequency attached by ClinVar (database versions not stated): 1000 Genomes Project 30x 0.05434; 1000 Genomes Project 0.05451; gnomAD 0.08266 and 0.08457; TOPMed 0.08419.
gnomAD v4.1: 36,854 of 392,436 alleles (9.4%); highest among the groups gnomAD compares: Middle Eastern, 13%; 2,130 homozygotes.

Submissions (2):

Illumina Laboratory Services, Illumina
Classification: Benign for Maturity-onset diabetes of the young type 7. Last evaluated: 2018-01-12. Review status: criteria provided, single submitter. Criteria: ICSL Variant Classification Criteria 13 December 2019. Collection method: clinical testing. Allele origin: germline.
Comment: This variant was observed in the ICSL laboratory as part of a predisposition screen in an ostensibly healthy population. It had not been previously curated by ICSL or reported in the Human Gene Mutation Database (HGMD: prior to June 1st, 2018), and was therefore a candidate for classification through an automated scoring system. Utilizing variant allele frequency, disease prevalence and penetrance estimates, and inheritance mode, an automated score was calculated to assess if this variant is too frequent to cause the disease. Based on the score and internal cut-off values, a variant classified as benign is not then subjected to further curation. The score for this variant resulted in a classification of benign for this disease.

Breakthrough Genomics
Classification: Benign. Review status: criteria provided, single submitter. Criteria: ACMG Guidelines, 2015. Collection method: not provided. Allele origin: germline. Inheritance: Unknown mechanism. Affected: yes.

NM_003597.5(KLF11):c.*544C>A

Gene: KLF11 (KLF transcription factor 11; plus strand). Cytogenetic location: 2p25.1.
Variant type: single nucleotide variant.
Coding change: c.*544C>A on transcript NM_003597.5 (MANE Select); 544 bases downstream of the stop codon, C replaced by A.
Molecular consequence: 3 prime UTR variant.
Genome position (GRCh38, 1-based): chr2:10,053,051, C>A. VCF-style: chr2-10053051-C-A. GRCh37 (hg19) VCF-style: chr2-10193178-C-A.
Other names: c.*544C>A (NM_001177716.2, NM_001177718.2).
Identifiers: ClinVar variation 330654 (VCV000330654.6), dbSNP rs4444493, ClinGen allele CA10611749.